The following is an entry in ClinVar:

NM_001142800.2(EYS):c.7412-1G>A

Gene: EYS (EGF-like photoreceptor maintenance factor; minus strand). Cytogenetic location: 6q12.
Variant type: single nucleotide variant.
Coding change: c.7412-1G>A on transcript NM_001142800.2 (MANE Select); the canonical splice acceptor site of the intron before coding-DNA position 7412, G replaced by A.
Molecular consequence: splice acceptor variant.
Genome position (GRCh38, 1-based): chr6:63,789,225, C>T on the plus strand (G>A on the coding strand, the complement: EYS is on the minus strand). VCF-style: chr6-63789225-C-T. GRCh37 (hg19) VCF-style: chr6-64499118-C-T.
Other names: c.7412-1G>A (NM_001292009.2).
Identifiers: ClinVar variation 853029 (VCV000853029.10), dbSNP rs1167742176, ClinGen allele CA364386171.

ClinVar aggregate classification (germline): Likely pathogenic. Review status: criteria provided, multiple submitters, no conflicts (2 of 4 stars). 3 submissions from 3 submitters: Likely pathogenic (3). Last evaluated 2026-01-02.

Conditions:
Retinitis pigmentosa 25 (RP25). Identifiers: Orphanet 791, MedGen C1864446, MONDO:0011272, OMIM 602772.
EYS-related disorder. Also called: EYS-related condition.

Allele frequency attached by ClinVar (database versions not stated): gnomAD exomes below 0.00001; TOPMed 0.00001.
gnomAD v4.1: 1 of 1,551,034 alleles (0.000064%); highest among the groups gnomAD compares: Non-Finnish European, 0.000087%; no homozygotes.

Submissions (3):

Myriad Genetics, Inc.
Classification: Likely pathogenic for Retinitis pigmentosa 25. Last evaluated: 2026-01-02. Review status: criteria provided, single submitter. Criteria: Myriad Autosomal Dominant, Autosomal Recessive and X-Linked Classification Criteria (2023). Collection method: clinical testing. Allele origin: unknown.
Comment: NM_001142800.1(EYS):c.7412-1G>A is a variant in a canonical splice site classified as likely pathogenic in the context of retinitis pigmentosa, EYS-related. c.7412-1G>A has not been observed in cases with relevant disease. Relevant functional assessments of this variant are not available in the literature. c.7412-1G>A has not been observed in referenced population frequency databases. In summary, NM_001142800.1(EYS):c.7412-1G>A is a variant in a canonical splice site in a gene where loss of function is a known mechanism of disease and is predicted to disrupt protein function. Please note: this variant was assessed in the context of healthy population screening.

Labcorp Genetics (formerly Invitae), Labcorp
Classification: Likely pathogenic. Last evaluated: 2022-06-05. Review status: criteria provided, single submitter. Criteria: Invitae Variant Classification Sherloc (09022015). Collection method: clinical testing. Allele origin: germline.
Comment: This sequence change affects an acceptor splice site in intron 37 of the EYS gene. It is expected to disrupt RNA splicing. Variants that disrupt the donor or acceptor splice site typically lead to a loss of protein function (PMID: 16199547), and loss-of-function variants in EYS are known to be pathogenic (PMID: 18836446, 20333770). This variant is not present in population databases (gnomAD no frequency). Disruption of this splice site has been observed in individual(s) with retinitis pigmentosa (PMID: 30718709). ClinVar contains an entry for this variant (Variation ID: 853029). Algorithms developed to predict the effect of sequence changes on RNA splicing suggest that this variant may disrupt the consensus splice site. In summary, the currently available evidence indicates that the variant is pathogenic, but additional data are needed to prove that conclusively. Therefore, this variant has been classified as Likely Pathogenic.

Blueprint Genetics
Classification: Likely pathogenic for EYS-related disorders. Last evaluated: 2021-11-16. Review status: criteria provided, single submitter. Criteria: ACMG Guidelines, 2015. Collection method: clinical testing. Allele origin: germline. Affected: yes. Observed: 1 variant allele.

Literature cited by the submitters: PubMed 16199547 (cited by Labcorp Genetics (formerly Invitae), Labcorp); PubMed 18836446 (cited by Labcorp Genetics (formerly Invitae), Labcorp); PubMed 20333770 (cited by Labcorp Genetics (formerly Invitae), Labcorp); PubMed 30718709 (cited by Labcorp Genetics (formerly Invitae), Labcorp).